The following is an entry in ClinVar:

ClinVar aggregate classification (germline): Likely benign. Review status: criteria provided, multiple submitters, no conflicts (2 of 4 stars). 3 submissions from 3 submitters: Likely benign (3). Last evaluated 2026-01-24.

Conditions:
Joubert syndrome 3 (JBTS3). Also called: AHI1-related Ciliopathy. Identifiers: Orphanet 220493, MedGen C1837713, MONDO:0012078, OMIM 608629.
AHI1-related disorder. Also called: AHI1-related condition.
Joubert syndrome. Also called: JOUBERT-BOLTSHAUSER SYNDROME; Familial aplasia of the vermis. Identifiers: Orphanet 475, MedGen C5979921, MONDO:0018772.

Allele frequency attached by ClinVar (database versions not stated): gnomAD exomes below 0.00001 and 0.00001; gnomAD 0.00003; TOPMed 0.00021.
gnomAD v4.1: 15 of 1,613,584 alleles (0.00093%); highest among the groups gnomAD compares: Admixed American, 0.01%; no homozygotes.

Submissions (3):

Labcorp Genetics (formerly Invitae), Labcorp
Classification: Likely benign for Joubert syndrome. Last evaluated: 2026-01-24. Review status: criteria provided, single submitter. Criteria: Invitae Variant Classification Sherloc (09022015). Collection method: clinical testing. Allele origin: germline.

PreventionGenetics, part of Exact Sciences
Classification: Likely benign for AHI1-related condition. Last evaluated: 2025-01-17. Review status: criteria provided, single submitter. Criteria: ACMG Guidelines, 2015. Collection method: clinical testing. Allele origin: germline.
Comment: This variant is classified as likely benign based on ACMG/AMP sequence variant interpretation guidelines (Richards et al. 2015 PMID: 25741868, with internal and published modifications).

Fulgent Genetics
Classification: Likely benign for Joubert syndrome 3. Last evaluated: 2021-09-22. Review status: criteria provided, single submitter. Criteria: ACMG Guidelines, 2015. Collection method: clinical testing. Allele origin: unknown.

NM_001134831.2(AHI1):c.3285G>A (p.Lys1095=)

Gene: AHI1 (Abelson helper integration site 1; minus strand). Cytogenetic location: 6q23.3.
Variant type: single nucleotide variant.
Coding change: c.3285G>A on transcript NM_001134831.2 (MANE Select); coding-DNA position 3285, G replaced by A.
Protein change: p.Lys1095=; no amino-acid change (lysine 1095 retained).
Molecular consequence: synonymous variant.
Genome position (GRCh38, 1-based): chr6:135,323,205, C>T on the plus strand (G>A on the coding strand, the complement: AHI1 is on the minus strand). VCF-style: chr6-135323205-C-T. GRCh37 (hg19) VCF-style: chr6-135644343-C-T.
Other names: c.3285G>A, p.Lys1095= (NM_001134830.2, NM_001350503.2, NM_001350504.2 and 1 more transcripts).
Identifiers: ClinVar variation 1078221 (VCV001078221.11), dbSNP rs1016306200, ClinGen allele CA148533686.